The following is an entry in ClinVar:

NM_000530.8(MPZ):c.368G>A (p.Gly123Asp)

Gene: MPZ (myelin protein zero; minus strand). Cytogenetic location: 1q23.3.
Variant type: single nucleotide variant.
Coding change: c.368G>A on transcript NM_000530.8 (MANE Select); coding-DNA position 368, G replaced by A.
Protein change: p.Gly123Asp; replaces glycine 123 with aspartic acid.
Molecular consequence: missense variant.
Genome position (GRCh38, 1-based): chr1:161,306,788, C>T on the plus strand (G>A on the coding strand, the complement: MPZ is on the minus strand). VCF-style: chr1-161306788-C-T. GRCh37 (hg19) VCF-style: chr1-161276578-C-T.
Other names: c.368G>A (LRG_256t1); c.368G>A, p.Gly123Asp (NM_001315491.2); short protein forms G123D.
Identifiers: ClinVar variation 449537 (VCV000449537.3), dbSNP rs1553259656, ClinGen allele CA343349009.

ClinVar aggregate classification (germline): Likely pathogenic. Review status: criteria provided, single submitter (1 of 4 stars). 2 submissions from 2 submitters: Likely pathogenic (1). 1 of the submissions does not count toward it. Last evaluated 2017-07-18.

Conditions:
Dejerine-Sottas disease. Also called: HMSN Type III; DEJERINE-SOTTAS NEUROPATHY; HEREDITARY MOTOR AND SENSORY NEUROPATHY TYPE III; Hereditary motor and sensory neuropathy 3; Charcot-Marie-Tooth disease type 3. Identifiers: Orphanet 64748, MedGen C0011195, MONDO:0007790, OMIM 145900.

Submissions (2):

GeneDx
Classification: Likely pathogenic. Last evaluated: 2017-07-18. Review status: criteria provided, single submitter. Criteria: GeneDx Variant Classification (06012015). Collection method: clinical testing. Allele origin: germline. Affected: yes.
Comment: The G123D variant is not observed in large population cohorts (Lek et al., 2016; 1000 Genomes Consortium et al., 2015; Exome Variant Server). The G123D variant is a non-conservative amino acid substitution, which is likely to impact secondary protein structure as these residues differ in polarity, charge, size and/or other properties. This substitution occurs at a position within the extracellular domain that is conserved across species. In silico analysis predicts this variant is probably damaging to the protein structure/function. Missense variants at this residue (G123C, G123S) and in nearby residues (Y119C, D121N, N122S, T124A, T124M, T124K, C127S, C127Y) have been reported in the Human Gene Mutation Database in association with Charcot-Marie-Tooth disease (Stenson et al., 2014), supporting the functional importance of this region of the protein. We interpret G123D as a likely pathogenic variant.

Inherited Neuropathy Consortium
Classification: Uncertain significance for Dejerine-Sottas disease. Review status: no assertion criteria provided. Collection method: literature only. Allele origin: germline. Affected: yes. Not counted in ClinVar's aggregate classification.

Literature cited by the submitters: PubMed 20385006 (cited by Inherited Neuropathy Consortium).